The following is an entry in ClinVar:

NM_024928.5(STN1):c.318G>T (p.Glu106Asp)

Gene: STN1 (STN1 subunit of CST complex; minus strand). Cytogenetic location: 10q24.33.
Variant type: single nucleotide variant.
Coding change: c.318G>T on transcript NM_024928.5 (MANE Select); coding-DNA position 318, G replaced by T.
Protein change: p.Glu106Asp; replaces glutamic acid 106 with aspartic acid.
Molecular consequence: missense variant.
Genome position (GRCh38, 1-based): chr10:103,900,201, C>A on the plus strand (G>T on the coding strand, the complement: STN1 is on the minus strand). VCF-style: chr10-103900201-C-A. GRCh37 (hg19) VCF-style: chr10-105659959-C-A.
Other names: short protein forms E106D.
Identifiers: ClinVar variation 4746659 (VCV004746659.1).

ClinVar aggregate classification (germline): Uncertain significance (1 of 4 stars; one submission).

Submission:

Labcorp Genetics (formerly Invitae), Labcorp
Classification: Uncertain significance. Last evaluated: 2025-08-20. Review status: criteria provided, single submitter. Criteria: Invitae Variant Classification Sherloc (09022015). Collection method: clinical testing. Allele origin: germline.
Comment: This sequence change replaces glutamic acid, which is acidic and polar, with aspartic acid, which is acidic and polar, at codon 106 of the STN1 protein (p.Glu106Asp). This variant is not present in population databases (gnomAD no frequency). This variant has not been reported in the literature in individuals affected with STN1-related conditions. Invitae Evidence Modeling of protein sequence and biophysical properties (such as structural, functional, and spatial information, amino acid conservation, physicochemical variation, residue mobility, and thermodynamic stability) indicates that this missense variant is not expected to disrupt STN1 protein function with a negative predictive value of 80%. In summary, the available evidence is currently insufficient to determine the role of this variant in disease. Therefore, it has been classified as a Variant of Uncertain Significance.